The following is an entry in ClinVar:

ClinVar aggregate classification (germline): Uncertain significance (1 of 4 stars; one submission).

Allele frequency attached by ClinVar (database versions not stated): gnomAD 0.00005; ExAC 0.00007; TOPMed 0.00009; 1000 Genomes Project 30x 0.00016; 1000 Genomes Project 0.00020.
gnomAD v4.1: 33 of 1,614,090 alleles (0.002%); highest among the groups gnomAD compares: East Asian, 0.071%; no homozygotes.

Submission:

Labcorp Genetics (formerly Invitae), Labcorp
Classification: Uncertain significance. Last evaluated: 2024-08-13. Review status: criteria provided, single submitter. Criteria: Invitae Variant Classification Sherloc (09022015). Collection method: clinical testing. Allele origin: germline.
Comment: This sequence change replaces glutamic acid, which is acidic and polar, with lysine, which is basic and polar, at codon 94 of the GALM protein (p.Glu94Lys). This variant is present in population databases (rs114353506, gnomAD 0.1%). This variant has not been reported in the literature in individuals affected with GALM-related conditions. ClinVar contains an entry for this variant (Variation ID: 2140428). Advanced modeling of protein sequence and biophysical properties (such as structural, functional, and spatial information, amino acid conservation, physicochemical variation, residue mobility, and thermodynamic stability) performed at Invitae indicates that this missense variant is not expected to disrupt GALM protein function with a negative predictive value of 80%. Experimental studies have shown that this missense change does not substantially affect GALM function (PMID: 30910422). In summary, the available evidence is currently insufficient to determine the role of this variant in disease. Therefore, it has been classified as a Variant of Uncertain Significance.

Literature cited by the submitters: PubMed 30910422.

NM_138801.3(GALM):c.280G>A (p.Glu94Lys)

Gene: GALM (galactose mutarotase; plus strand). Cytogenetic location: 2p22.1.
Variant type: single nucleotide variant.
Coding change: c.280G>A on transcript NM_138801.3 (MANE Select); coding-DNA position 280, G replaced by A.
Protein change: p.Glu94Lys; replaces glutamic acid 94 with lysine.
Molecular consequence: missense variant.
Genome position (GRCh38, 1-based): chr2:38,676,001, G>A. VCF-style: chr2-38676001-G-A. GRCh37 (hg19) VCF-style: chr2-38903143-G-A.
Other names: short protein forms E94K.
Identifiers: ClinVar variation 2140428 (VCV002140428.4), dbSNP rs114353506, ClinGen allele CA1621454.